The following is an entry in ClinVar:

NM_000400.4(ERCC2):c.1553G>A (p.Arg518Gln)

Gene: ERCC2 (ERCC excision repair 2, TFIIH core complex helicase subunit; minus strand). Cytogenetic location: 19q13.32.
Variant type: single nucleotide variant.
Coding change: c.1553G>A on transcript NM_000400.4 (MANE Select); coding-DNA position 1553, G replaced by A.
Protein change: p.Arg518Gln; replaces arginine 518 with glutamine.
Molecular consequence: missense variant.
Genome position (GRCh38, 1-based): chr19:45,354,842, C>T on the plus strand (G>A on the coding strand, the complement: ERCC2 is on the minus strand). VCF-style: chr19-45354842-C-T. GRCh37 (hg19) VCF-style: chr19-45858100-C-T.
Other names: short protein forms R518Q.
Identifiers: ClinVar variation 1206217 (VCV001206217.12), dbSNP rs1039034665, ClinGen allele CA308954747.

ClinVar aggregate classification (germline): Uncertain significance. Review status: criteria provided, multiple submitters, no conflicts (2 of 4 stars). 5 submissions from 5 submitters: Uncertain significance (3). 2 of the submissions do not count toward it. Last evaluated 2026-01-05.

Conditions:
Inborn genetic diseases. Identifiers: MedGen C0950123, MeSH D030342.
Cerebrooculofacioskeletal syndrome 2 (COFS2). Identifiers: MedGen C1853102, MONDO:0012553, OMIM 610756.
Xeroderma pigmentosum, group D (XPD). Also called: XERODERMA PIGMENTOSUM IV; XP, GROUP D; XP, GROUP H; XERODERMA PIGMENTOSUM, COMPLEMENTATION GROUP D; ERCC2-Related Xeroderma Pigmentosum. Identifiers: MedGen C0268138, MONDO:0010212, OMIM 278730.
Trichothiodystrophy 1, photosensitive (TTD1). Also called: TAY SYNDROME; TRICHOTHIODYSTROPHY WITH CONGENITAL ICHTHYOSIS; PIBIDS SYNDROME. Identifiers: Orphanet 33364, MedGen C1866504, MONDO:0011125, OMIM 601675.

Allele frequency attached by ClinVar (database versions not stated): gnomAD 0.00001; gnomAD exomes 0.00001.

Submissions (5):

Labcorp Genetics (formerly Invitae), Labcorp
Classification: Uncertain significance. Last evaluated: 2026-01-05. Review status: criteria provided, single submitter. Criteria: Invitae Variant Classification Sherloc (09022015). Collection method: clinical testing. Allele origin: germline.
Comment: This sequence change replaces arginine, which is basic and polar, with glutamine, which is neutral and polar, at codon 518 of the ERCC2 protein (p.Arg518Gln). This variant is present in population databases (no rsID available, gnomAD 0.006%). This variant has not been reported in the literature in individuals affected with ERCC2-related conditions. ClinVar contains an entry for this variant (Variation ID: 1206217). Invitae Evidence Modeling of protein sequence and biophysical properties (such as structural, functional, and spatial information, amino acid conservation, physicochemical variation, residue mobility, and thermodynamic stability) has been performed for this missense variant. However, the output from this modeling did not meet the statistical confidence thresholds required to predict the impact of this variant on ERCC2 protein function. In summary, the available evidence is currently insufficient to determine the role of this variant in disease. Therefore, it has been classified as a Variant of Uncertain Significance.

Ambry Genetics
Classification: Uncertain significance for Inborn genetic diseases. Last evaluated: 2024-03-03. Review status: criteria provided, single submitter. Criteria: Ambry Variant Classification Scheme 2023. Collection method: clinical testing. Allele origin: germline.
Comment: The p.R518Q variant (also known as c.1553G>A), located in coding exon 17 of the ERCC2 gene, results from a G to A substitution at nucleotide position 1553. The arginine at codon 518 is replaced by glutamine, an amino acid with highly similar properties. This amino acid position is conserved. In addition, the in silico prediction for this alteration is inconclusive. Since supporting evidence is limited at this time, the clinical significance of this alteration remains unclear.

Fulgent Genetics
Classification: Uncertain significance for Xeroderma pigmentosum, group D; Trichothiodystrophy 1, photosensitive; Cerebrooculofacioskeletal syndrome 2. Last evaluated: 2022-05-14. Review status: criteria provided, single submitter. Criteria: ACMG Guidelines, 2015. Collection method: clinical testing. Allele origin: unknown.

Clinical Genetics DNA and cytogenetics Diagnostics Lab, Erasmus MC, Erasmus Medical Center
Classification: Uncertain significance. Review status: no assertion criteria provided. Collection method: clinical testing. Allele origin: germline. Affected: yes. Study: VKGL Data-share Consensus. Not counted in ClinVar's aggregate classification.

Laboratory of Diagnostic Genome Analysis, Leiden University Medical Center (LUMC)
Classification: Uncertain significance. Review status: no assertion criteria provided. Collection method: clinical testing. Allele origin: germline. Affected: yes. Study: VKGL Data-share Consensus. Not counted in ClinVar's aggregate classification.